The following is an entry in ClinVar:

ClinVar aggregate classification (germline): Conflicting classifications of pathogenicity. Review status: criteria provided, conflicting classifications (1 of 4 stars). 4 submissions from 4 submitters: Uncertain significance (1); Benign (1); Likely benign (2). Last evaluated 2026-06-29.

Conditions:
RAI1-related disorder. Also called: RAI1-related condition.

Allele frequency attached by ClinVar (database versions not stated): gnomAD 0.00005; ExAC 0.00006; TOPMed 0.00002.
gnomAD v4.1: 37 of 1,565,772 alleles (0.0024%); highest among the groups gnomAD compares: African/African-American, 0.012%; no homozygotes.

Submissions (4):

PreventionGenetics, part of Exact Sciences
Classification: Uncertain significance for RAI1-related condition. Last evaluated: 2026-06-29. Review status: criteria provided, single submitter. Criteria: ACMG Guidelines, 2015. Collection method: clinical testing. Allele origin: germline.
Comment: The RAI1 c.3203C>T variant is predicted to result in the amino acid substitution p.Thr1068Met. To our knowledge, this variant has not been reported in the literature. This variant is reported in 0.0092% of alleles in individuals of African descent in gnomAD which is likely too frequent for a disease-associated variant. Although we suspect that this variant my be benign, at this time, the clinical significance of this variant is uncertain due to the absence of conclusive functional and genetic evidence.

CeGaT Center for Human Genetics Tuebingen
Classification: Likely benign. Last evaluated: 2026-04-01. Review status: criteria provided, single submitter. Criteria: CeGaT Center For Human Genetics Tuebingen Variant Classification Criteria Version 2. Collection method: clinical testing. Allele origin: germline. Affected: yes. Observed: 1 variant allele.
Comment: RAI1: BP5, BS2

Women's Health and Genetics/Laboratory Corporation of America, LabCorp
Classification: Likely benign. Last evaluated: 2025-11-26. Review status: criteria provided, single submitter. Criteria: LabCorp Variant Classification Summary - May 2015. Collection method: clinical testing. Allele origin: germline.
Comment: Variant summary: RAI1 c.3203C>T (p.Thr1068Met) results in a non-conservative amino acid change in the encoded protein sequence. Algorithms developed to predict the effect of missense changes on protein structure and function are either unavailable or do not agree on the potential impact of this missense change. The variant allele was found at a frequency of 2.2e-05 in 184884 control chromosomes (gnomAD v2). The available data on variant occurrences in the general population are insufficient to allow any conclusion about variant significance. However, a total of 37 heterozygotes of this variant were reported in the gnomAD v4 database. To our knowledge, no occurrence of c.3203C>T in individuals affected with RAI1-related conditions and no experimental evidence demonstrating its impact on protein function have been reported. ClinVar contains an entry for this variant (Variation ID: 2166863). Based on the evidence outlined above, the variant was classified as likely benign.

Labcorp Genetics (formerly Invitae), Labcorp
Classification: Benign. Last evaluated: 2025-08-09. Review status: criteria provided, single submitter. Criteria: Invitae Variant Classification Sherloc (09022015). Collection method: clinical testing. Allele origin: germline.

NM_030665.4(RAI1):c.3203C>T (p.Thr1068Met)

Gene: RAI1 (retinoic acid induced 1; plus strand). Cytogenetic location: 17p11.2.
Variant type: single nucleotide variant.
Coding change: c.3203C>T on transcript NM_030665.4 (MANE Select); coding-DNA position 3203, C replaced by T.
Protein change: p.Thr1068Met; replaces threonine 1068 with methionine.
Molecular consequence: missense variant.
Genome position (GRCh38, 1-based): chr17:17,796,151, C>T. VCF-style: chr17-17796151-C-T. GRCh37 (hg19) VCF-style: chr17-17699465-C-T.
Other names: c.3203C>T (NM_030665.3); short protein forms T1068M.
Identifiers: ClinVar variation 2166863 (VCV002166863.9), dbSNP rs771870330, ClinGen allele CA8418683.
Genomic context (GRCh38, chr17:17,796,151, plus strand): 5'-CCTCGGAAGGGCTCCCCAGGATGTGTACTCGTTCTCTCACGGCCCTGAGTGAGCCCCGCA[C>T]GCCCGGACCCCCAGGCCTGACCACCACCCCTGCACCCCCAGACAAACTGGGGGGCAAGCA-3'
Protein context (NP_109590.3, residues 1058-1078): RSLTALSEPR[Thr1068Met]PGPPGLTTTP